The following is an entry in ClinVar:

ClinVar aggregate classification (germline): Likely pathogenic (1 of 4 stars; one submission).

Conditions:
Cockayne syndrome type 2 (CSB). Also called: Cockayne Syndrome, Type II; COCKAYNE SYNDROME B. Identifiers: Orphanet 191, Orphanet 90322, MedGen C0751038, MONDO:0019570, OMIM 133540.

Submission:

Myriad Genetics, Inc.
Classification: Likely pathogenic for Cockayne syndrome type 2. Last evaluated: 2019-12-04. Review status: criteria provided, single submitter. Criteria: Myriad Women's Health Autosomal Recessive and X-Linked Classification Criteria (2019). Collection method: clinical testing. Allele origin: unknown.
Comment: NM_000124.2(ERCC6):c.2846G>A(W949*) is expected to be pathogenic in the context of ERCC6-related disorders. This variant is predicted to lead to an abnormal or absent protein product due to the creation of a premature termination codon in ERCC6, a gene where loss-of-function variants are known to be pathogenic. Please note: this variant was assessed in the context of healthy population screening.

NM_000124.4(ERCC6):c.2846G>A (p.Trp949Ter)

Genes: ERCC6 (ERCC excision repair 6, chromatin remodeling factor; minus strand), LOC126860933 (BRD4-independent group 4 enhancer GRCh37_chr10:50679962-50681161; plus strand). Cytogenetic location: 10q11.23.
Variant type: single nucleotide variant.
Coding change: c.2846G>A on transcript NM_000124.4 (MANE Select); coding-DNA position 2846, G replaced by A.
Protein change: p.Trp949Ter; replaces tryptophan 949 with a stop codon.
Molecular consequence: nonsense.
Genome position (GRCh38, 1-based): chr10:49,472,454, C>T on the plus strand (G>A on the coding strand, the complement: ERCC6 is on the minus strand). VCF-style: chr10-49472454-C-T. GRCh37 (hg19) VCF-style: chr10-50680500-C-T.
Other names: c.2846G>A, p.Trp949Ter (NM_001346440.2); short protein forms W949*.
Identifiers: ClinVar variation 983766 (VCV000983766.3), dbSNP rs1850797541, ClinGen allele CA376718659.
Genomic context (GRCh38, chr10:49,472,454, plus strand): 5'-TCAATGGTGCCCGCAGTCAGGAGCCTGTACACAGTCACTTGCTTCTTCTGGCCTATTCTC[C>T]ATGCTCGCTCCCGGGCCTGCAACAGAGAGAGAGAGACCTCTCAACGAGAATCCTTCCCAA-3'